The following is an entry in ClinVar:

ClinVar aggregate classification (germline): risk factor (0 of 4 stars; one submission).

Conditions:
Estrogen resistance syndrome. Also called: ESTROGEN INSENSITIVITY; Estrogen resistance. Identifiers: Orphanet 785, MedGen C3809250, MONDO:0014148, OMIM 615363.

Submission:

Department of Zoology, University of the Punjab, Lahore
Classification: risk factor for Estrogen resistance. Last evaluated: 2018-08-31. Review status: no assertion criteria provided. Collection method: case-control. Allele origin: unknown. Affected: yes. Observed: 584 variant alleles, 486 heterozygotes, 98 homozygotes.
Comment: The c.605G>A variant in ESR1 was identified for the first time in Pakistani population and was found to be associated with the onset of arthritis.

NM_004872.5(TMEM59):c.*23G>A

Gene: TMEM59 (transmembrane protein 59; minus strand). Cytogenetic location: 1p32.3.
Variant type: single nucleotide variant.
Coding change: c.*23G>A on transcript NM_004872.5 (MANE Select); 23 bases downstream of the stop codon, G replaced by A.
Molecular consequence: 3 prime UTR variant.
Genome position (GRCh38, 1-based): chr1:54,032,127, C>T on the plus strand (G>A on the coding strand, the complement: TMEM59 is on the minus strand). VCF-style: chr1-54032127-C-T. GRCh37 (hg19) VCF-style: chr1-54497800-C-T.
Other names: c.*23G>A (NM_001305043.2, NM_001305049.1, NM_001305050.2 and 2 more transcripts); c.605G>A (NM_001305049.1).
Identifiers: ClinVar variation 587698 (VCV000587698.2), dbSNP rs776119905, ClinGen allele CA891862662.